The following is an entry in ClinVar:

NM_001166108.2(PALLD):c.3177T>C (p.Phe1059=)

Genes: CBR4 (carbonyl reductase 4; minus strand), PALLD (palladin, cytoskeletal associated protein; plus strand). Cytogenetic location: 4q32.3.
Variant type: single nucleotide variant.
Coding change: c.3177T>C on transcript NM_001166108.2 (MANE Select); coding-DNA position 3177, T replaced by C.
Protein change: p.Phe1059=; no amino-acid change (phenylalanine 1059 retained).
Molecular consequence: synonymous variant.
Genome position (GRCh38, 1-based): chr4:168,924,373, T>C. VCF-style: chr4-168924373-T-C. GRCh37 (hg19) VCF-style: chr4-169845524-T-C.
Other names: c.1980T>C, p.Phe660= (NM_001166109.2); c.1665T>C, p.Phe555= (NM_001166110.2); c.1005T>C, p.Phe335= (NM_001367567.1, NM_001367569.1); c.1056T>C, p.Phe352= (NM_001367568.1, NM_001367570.1); c.3126T>C, p.Phe1042= (NM_016081.4).
Identifiers: ClinVar variation 1103290 (VCV001103290.35), dbSNP rs778134231, ClinGen allele CA3136054.

ClinVar aggregate classification (germline): Likely benign. Review status: criteria provided, multiple submitters, no conflicts (2 of 4 stars). 3 submissions from 3 submitters: Likely benign (3). Last evaluated 2025-10-27.

Conditions:
Pancreatic adenocarcinoma. Identifiers: MedGen C0281361, MONDO:0006047, HP:0006725.

Allele frequency attached by ClinVar (database versions not stated): gnomAD exomes 0.00001; TOPMed 0.00001; ExAC 0.00002.
gnomAD v4.1: 6 of 1,613,796 alleles (0.00037%); highest among the groups gnomAD compares: East Asian, 0.0045%; no homozygotes.

Submissions (3):

Labcorp Genetics (formerly Invitae), Labcorp
Classification: Likely benign for Pancreatic adenocarcinoma. Last evaluated: 2025-10-27. Review status: criteria provided, single submitter. Criteria: Invitae Variant Classification Sherloc (09022015). Collection method: clinical testing. Allele origin: germline.

CeGaT Center for Human Genetics Tuebingen
Classification: Likely benign. Last evaluated: 2022-06-01. Review status: criteria provided, single submitter. Criteria: CeGaT Center For Human Genetics Tuebingen Variant Classification Criteria Version 2. Collection method: clinical testing. Allele origin: germline. Affected: yes. Observed: 1 variant allele.
Comment: PALLD: BP4, BP7

Ambry Genetics
Classification: Likely benign. Last evaluated: 2022-04-10. Review status: criteria provided, single submitter. Criteria: Ambry Variant Classification Scheme 2023. Collection method: clinical testing. Allele origin: germline.